The following is an entry in ClinVar:

NM_024577.4(SH3TC2):c.2551_2554dup (p.Val852fs)

Gene: SH3TC2 (SH3 domain and tetratricopeptide repeats 2; minus strand). Cytogenetic location: 5q32.
Variant type: Duplication.
Coding change: c.2551_2554dup on transcript NM_024577.4 (MANE Select); coding-DNA positions 2551 to 2554, 4 bases duplicated (CGGG; older notation c.2551_2554dupCGGG).
Protein change: p.Val852fs; shifts the reading frame from valine 852.
Molecular consequence: frameshift variant.
Genome position (GRCh38, 1-based): chr5:149,027,178-149,027,181, CCCG duplicated on the plus strand (CGGG on the coding strand, the reverse complement: SH3TC2 is on the minus strand). VCF-style (leftmost placement, unchanged base first): chr5-149027177-A-ACCCG. GRCh37 (hg19) VCF-style: chr5-148406740-A-ACCCG.
Other names: short protein forms V852fs.
Identifiers: ClinVar variation 916842 (VCV000916842.5), dbSNP rs1754081385, ClinGen allele CA1139659131.

ClinVar aggregate classification (germline): Pathogenic/Likely pathogenic. Review status: criteria provided, multiple submitters, no conflicts (2 of 4 stars). 2 submissions from 2 submitters: Pathogenic (1); Likely pathogenic (1). Last evaluated 2022-03-25.

Conditions:
Charcot-Marie-Tooth disease. Also called: Charcot-Marie-Tooth Hereditary Neuropathy; Charcot-Marie-Tooth Neuropathy. Identifiers: Orphanet 166, MedGen C0007959, MONDO:0015626.
Charcot-Marie-Tooth disease type 4. Also called: Charcot-Marie-Tooth, Type 4; Charcot-Marie-Tooth disease, type IV. Identifiers: Orphanet 64749, MedGen C4082197, MONDO:0018995.

Allele frequency attached by ClinVar (database versions not stated): gnomAD exomes 0.00001.

Submissions (2):

Labcorp Genetics (formerly Invitae), Labcorp
Classification: Pathogenic for Charcot-Marie-Tooth disease type 4. Last evaluated: 2022-03-25. Review status: criteria provided, single submitter. Criteria: Invitae Variant Classification Sherloc (09022015). Collection method: clinical testing. Allele origin: germline.
Comment: This variant is not present in population databases (gnomAD no frequency). This sequence change creates a premature translational stop signal (p.Val852Alafs*24) in the SH3TC2 gene. It is expected to result in an absent or disrupted protein product. Loss-of-function variants in SH3TC2 are known to be pathogenic (PMID: 20220177, 27068304). This premature translational stop signal has been observed in individual(s) with Charcot-Marie-Tooth disease (PMID: 32376792). ClinVar contains an entry for this variant (Variation ID: 916842). For these reasons, this variant has been classified as Pathogenic.

Molecular Genetics Laboratory, London Health Sciences Centre
Classification: Likely pathogenic for Charcot-Marie-Tooth disease. Review status: criteria provided, single submitter. Criteria: ACMG Guidelines, 2015. Collection method: clinical testing. Allele origin: germline. Affected: yes.

Literature cited by the submitters: PubMed 20220177 (cited by Labcorp Genetics (formerly Invitae), Labcorp); PubMed 27068304 (cited by Labcorp Genetics (formerly Invitae), Labcorp); PubMed 32376792 (cited by Labcorp Genetics (formerly Invitae), Labcorp).